The following is an entry in ClinVar:

ClinVar aggregate classification (germline): Conflicting classifications of pathogenicity. Review status: criteria provided, conflicting classifications (1 of 4 stars). 5 submissions from 5 submitters: Uncertain significance (3); Benign (1); Likely benign (1). Last evaluated 2026-06-12.

Conditions:
Polyps, multiple and recurrent inflammatory fibroid, gastrointestinal. Identifiers: MedGen C5193005, MONDO:0008285, OMIM 175510.
Hereditary cancer-predisposing syndrome. Also called: Neoplastic Syndromes, Hereditary; Hereditary Cancer Syndrome; Hereditary neoplastic syndrome; Tumor predisposition. Identifiers: Orphanet 140162, MedGen C0027672, MeSH D009386, MONDO:0015356.
Gastrointestinal stromal tumor. Also called: Gastrointestinal stromal tumor, somatic; Gastrointestinal stroma tumor. Identifiers: Orphanet 44890, MedGen C0238198, MeSH D046152, MONDO:0011719, OMIM 606764, HP:0100723.

Allele frequency attached by ClinVar (database versions not stated): gnomAD 0.00001; ExAC 0.00002; gnomAD exomes 0.00002; TOPMed 0.00002; ESP Exome Variant Server 0.00008.
gnomAD v4.1: 33 of 1,613,604 alleles (0.002%); highest among the groups gnomAD compares: Non-Finnish European, 0.0027%; no homozygotes.

Submissions (5):

Myriad Genetics, Inc.
Classification: Likely benign for Polyps, multiple and recurrent inflammatory fibroid, gastrointestinal. Last evaluated: 2026-06-12. Review status: criteria provided, single submitter. Criteria: Myriad Autosomal Dominant, Autosomal Recessive and X-Linked Classification Criteria (2023). Collection method: clinical testing. Allele origin: unknown.
Comment: This variant is considered likely benign. This variant has been observed at a population frequency that is significantly greater than expected given the associated disease prevalence and penetrance.

Labcorp Genetics (formerly Invitae), Labcorp
Classification: Uncertain significance for Gastrointestinal stromal tumor. Last evaluated: 2025-12-30. Review status: criteria provided, single submitter. Criteria: Invitae Variant Classification Sherloc (09022015). Collection method: clinical testing. Allele origin: germline.
Comment: This sequence change replaces threonine, which is neutral and polar, with methionine, which is neutral and non-polar, at codon 134 of the PDGFRA protein (p.Thr134Met). This variant is present in population databases (rs373126818, gnomAD 0.005%). This variant has not been reported in the literature in individuals affected with PDGFRA-related conditions. ClinVar contains an entry for this variant (Variation ID: 407408). Invitae Evidence Modeling of protein sequence and biophysical properties (such as structural, functional, and spatial information, amino acid conservation, physicochemical variation, residue mobility, and thermodynamic stability) indicates that this missense variant is not expected to disrupt PDGFRA protein function with a negative predictive value of 80%. In summary, the available evidence is currently insufficient to determine the role of this variant in disease. Therefore, it has been classified as a Variant of Uncertain Significance.

Dasa
Classification: Uncertain significance. Last evaluated: 2025-06-29. Review status: criteria provided, single submitter. Criteria: DASA Assertion Criteria. Collection method: clinical testing. Allele origin: germline.
Comment: NM_006206.6(PDGFRA):c.401C>T (p.Thr134Met) is a missense variant that results in the substitution of threonine with methionine. This variant is rare in population databases. Computational prediction algorithms are consistent with a benign effect. The currently available literature and clinical evidence are not sufficient to establish a definitive association between this variant and the reported condition. Therefore, this variant is classified as a variant of uncertain significance.

Ambry Genetics
Classification: Benign for Hereditary cancer-predisposing syndrome. Last evaluated: 2024-08-20. Review status: criteria provided, single submitter. Criteria: Ambry Variant Classification Scheme 2023. Collection method: clinical testing. Allele origin: germline.

GeneDx
Classification: Uncertain significance. Last evaluated: 2023-06-12. Review status: criteria provided, single submitter. Criteria: GeneDx Variant Classification Process June 2021. Collection method: clinical testing. Allele origin: germline.
Comment: In silico analysis supports that this missense variant does not alter protein structure/function; Has not been previously published as pathogenic or benign to our knowledge

NM_006206.6(PDGFRA):c.401C>T (p.Thr134Met)

Gene: PDGFRA (platelet derived growth factor receptor alpha; plus strand). Cytogenetic location: 4q12.
Variant type: single nucleotide variant.
Coding change: c.401C>T on transcript NM_006206.6 (MANE Select); coding-DNA position 401, C replaced by T.
Protein change: p.Thr134Met; replaces threonine 134 with methionine.
Molecular consequence: missense variant.
Genome position (GRCh38, 1-based): chr4:54,263,700, C>T. VCF-style: chr4-54263700-C-T. GRCh37 (hg19) VCF-style: chr4-55129867-C-T.
Other names: c.401C>T, p.Thr134Met (NM_001347827.2, NM_001347829.2); c.476C>T, p.Thr159Met (NM_001347828.2); c.440C>T, p.Thr147Met (NM_001347830.2); short protein forms T134M, T147M, T159M.
Identifiers: ClinVar variation 407408 (VCV000407408.20), dbSNP rs373126818, ClinGen allele CA2922281.